The following is an entry in ClinVar:

NM_001080449.3(DNA2):c.2403-1_2406del

Gene: DNA2 (DNA replication helicase/nuclease 2; minus strand). Cytogenetic location: 10q21.3.
Variant type: Deletion.
Coding change: c.2403-1_2406del on transcript NM_001080449.3 (MANE Select); the canonical splice acceptor site of the intron before coding-DNA position 2403 through coding-DNA position 2406, 5 bases deleted (GAGCT; older notation c.2403-1_2406delGAGCT).
Molecular consequence: splice acceptor variant.
Genome position (GRCh38, 1-based): chr10:68,422,601-68,422,605, AGCTC deleted on the plus strand (GAGCT on the coding strand, the reverse complement: DNA2 is on the minus strand). VCF-style (leftmost placement, unchanged base first): chr10-68422600-GAGCTC-G. GRCh37 (hg19) VCF-style: chr10-70182357-GAGCTC-G.
Identifiers: ClinVar variation 3645557 (VCV003645557.2).
Genomic context (GRCh38, chr10:68,422,600, plus strand): 5'-ACTGTACAACAGCACTCTTATTCTGCTCCAGCCTCTTGAATAAGCTTTCACTCATGCCAA[GAGCTC>G]TGTCAATAAATCAGATTCATGTTTATCAGTGTACTAAATCTGTTCCTTGAAAATAATCTA-3'

ClinVar aggregate classification (germline): Uncertain significance (1 of 4 stars; one submission).

Submission:

Labcorp Genetics (formerly Invitae), Labcorp
Classification: Uncertain significance. Last evaluated: 2024-03-12. Review status: criteria provided, single submitter. Criteria: Invitae Variant Classification Sherloc (09022015). Collection method: clinical testing. Allele origin: germline.
Comment: This variant results in the deletion of part of exon 16 (c.2403-1_2406del) of the DNA2 gene. It is expected to disrupt RNA splicing. Variants that disrupt the donor or acceptor splice site typically lead to a loss of protein function (PMID: 16199547), however the current clinical and genetic evidence is not sufficient to establish whether loss-of-function variants in DNA2 cause disease. This variant is not present in population databases (gnomAD no frequency). This variant has not been reported in the literature in individuals affected with DNA2-related conditions. In summary, the available evidence is currently insufficient to determine the role of this variant in disease. Therefore, it has been classified as a Variant of Uncertain Significance.

Literature cited by the submitters: PubMed 16199547.